The following is an entry in ClinVar:

NM_000198.4(HSD3B2):c.220G>A (p.Asp74Asn)

Gene: HSD3B2 (hydroxy-delta-5-steroid dehydrogenase, 3 beta- and steroid delta-isomerase 2; plus strand). Cytogenetic location: 1p12.
Variant type: single nucleotide variant.
Coding change: c.220G>A on transcript NM_000198.4 (MANE Select); coding-DNA position 220, G replaced by A.
Protein change: p.Asp74Asn; replaces aspartic acid 74 with asparagine.
Molecular consequence: missense variant.
Genome position (GRCh38, 1-based): chr1:119,419,495, G>A. VCF-style: chr1-119419495-G-A. GRCh37 (hg19) VCF-style: chr1-119962118-G-A.
Other names: c.220G>A, p.Asp74Asn (NM_001166120.2); short protein forms D74N.
Identifiers: ClinVar variation 720898 (VCV000720898.18), dbSNP rs4986954, ClinGen allele CA1035919.

ClinVar aggregate classification (germline): Benign/Likely benign. Review status: criteria provided, multiple submitters, no conflicts (2 of 4 stars). 5 submissions from 5 submitters: Benign (3); Likely benign (1). 1 of the submissions does not count toward it. Last evaluated 2026-01-28.

Conditions:
3 beta-Hydroxysteroid dehydrogenase deficiency. Also called: 3-BETA-HSD DEFICIENCY; ADRENAL HYPERPLASIA II; ADRENAL HYPERPLASIA, CONGENITAL, DUE TO 3-BETA-HYDROXYSTEROID DEHYDROGENASE 2 DEFICIENCY; 3b-hydroxysteroid dehydrogenase deficiency; Congenital adrenal hyperplasia due to 3-beta-hydroxysteroid dehydrogenase deficiency. Identifiers: Orphanet 90791, MedGen C0342471, MeSH C538236, MONDO:0008727, OMIM 201810. Disease mechanism: loss of function.

Allele frequency attached by ClinVar (database versions not stated): gnomAD exomes 0.00029 and 0.00079; ExAC 0.00106; 1000 Genomes Project 0.00300; ESP Exome Variant Server 0.00300; 1000 Genomes Project 30x 0.00312; gnomAD 0.00357 and 0.00385; TOPMed 0.00359.
gnomAD v4.1: 995 of 1,613,814 alleles (0.062%); highest among the groups gnomAD compares: African/African-American, 1.2%; 8 homozygotes.

Submissions (5):

Labcorp Genetics (formerly Invitae), Labcorp
Classification: Benign. Last evaluated: 2026-01-28. Review status: criteria provided, single submitter. Criteria: Invitae Variant Classification Sherloc (09022015). Collection method: clinical testing. Allele origin: germline.

GeneDx
Classification: Likely benign. Last evaluated: 2020-08-22. Review status: criteria provided, single submitter. Criteria: GeneDx Variant Classification Process June 2021. Collection method: clinical testing. Allele origin: germline. Affected: yes.
Comment: See Variant Classification Assertion Criteria.

Illumina Laboratory Services, Illumina
Classification: Benign for 3 beta-Hydroxysteroid dehydrogenase deficiency. Last evaluated: 2017-04-28. Review status: criteria provided, single submitter. Criteria: ICSL Variant Classification Criteria 13 December 2019. Collection method: clinical testing. Allele origin: germline.
Comment: This variant was observed as part of a predisposition screen in an ostensibly healthy population. A literature search was performed for the gene, cDNA change, and amino acid change (where applicable). Publications were found based on this search. The evidence from the literature, in combination with allele frequency data from public databases where available, was sufficient to rule this variant out of causing disease. Therefore, this variant is classified as benign.

Breakthrough Genomics
Classification: Benign. Review status: criteria provided, single submitter. Criteria: ACMG Guidelines, 2015. Collection method: not provided. Allele origin: germline. Inheritance: Autosomal recessive inheritance. Affected: yes.

Natera, Inc.
Classification: Benign for 3 beta hydroxysteroid dehydrogenase deficiency. Last evaluated: 2020-06-16. Review status: no assertion criteria provided. Collection method: clinical testing. Allele origin: germline. Not counted in ClinVar's aggregate classification.

Literature cited by the submitters: PubMed 2755580 (cited by Illumina Laboratory Services, Illumina); PubMed 26288759 (cited by Illumina Laboratory Services, Illumina); PubMed 17689071 (cited by Illumina Laboratory Services, Illumina); PubMed 4539073 (cited by Illumina Laboratory Services, Illumina).